The following is an entry in ClinVar:

ClinVar aggregate classification (germline): Uncertain significance. Review status: criteria provided, multiple submitters, no conflicts (2 of 4 stars). 4 submissions from 4 submitters: Uncertain significance (4). Last evaluated 2026-02-02.

Conditions:
Inborn genetic diseases. Identifiers: MedGen C0950123, MeSH D030342.
Hyperphosphatasia with impaired intellectual development syndrome 2. Also called: Hyperphosphatasia with intellectual disability syndrome 2; GLYCOSYLPHOSPHATIDYLINOSITOL BIOSYNTHESIS DEFECT 6. Identifiers: Orphanet 247262, MedGen C3553637, MONDO:0013882, OMIM 614749.

Allele frequency attached by ClinVar (database versions not stated): gnomAD exomes 0.00004; gnomAD 0.00003; TOPMed 0.00003; ExAC 0.00004.
gnomAD v4.1: 121 of 1,613,416 alleles (0.0075%); highest among the groups gnomAD compares: Middle Eastern, 0.016%; no homozygotes.

Submissions (4):

GeneDx
Classification: Uncertain significance. Last evaluated: 2026-02-02. Review status: criteria provided, single submitter. Criteria: GeneDx Variant Classification Process June 2021. Collection method: clinical testing. Allele origin: germline. Affected: yes.
Comment: Not observed at significant frequency in large population cohorts (gnomAD); In silico analysis suggests that this missense variant does not alter protein structure/function; Has not been previously published as pathogenic or benign to our knowledge

Labcorp Genetics (formerly Invitae), Labcorp
Classification: Uncertain significance for Hyperphosphatasia with impaired intellectual development syndrome 2. Last evaluated: 2022-10-13. Review status: criteria provided, single submitter. Criteria: Invitae Variant Classification Sherloc (09022015). Collection method: clinical testing. Allele origin: germline.
Comment: This sequence change replaces alanine, which is neutral and non-polar, with valine, which is neutral and non-polar, at codon 756 of the PIGO protein (p.Ala756Val). This variant is present in population databases (rs757452987, gnomAD 0.02%). This variant has not been reported in the literature in individuals affected with PIGO-related conditions. ClinVar contains an entry for this variant (Variation ID: 579470). Algorithms developed to predict the effect of missense changes on protein structure and function output the following: SIFT: "Tolerated"; PolyPhen-2: "Benign"; Align-GVGD: "Class C0". The valine amino acid residue is found in multiple mammalian species, which suggests that this missense change does not adversely affect protein function. In summary, the available evidence is currently insufficient to determine the role of this variant in disease. Therefore, it has been classified as a Variant of Uncertain Significance.

Ambry Genetics
Classification: Uncertain significance for Inborn genetic diseases. Last evaluated: 2021-11-09. Review status: criteria provided, single submitter. Criteria: Ambry Variant Classification Scheme 2023. Collection method: clinical testing. Allele origin: germline.

Illumina Laboratory Services, Illumina
Classification: Uncertain significance for Hyperphosphatasia with impaired intellectual development syndrome 2. Last evaluated: 2018-01-13. Review status: criteria provided, single submitter. Criteria: ICSL Variant Classification Criteria 13 December 2019. Collection method: clinical testing. Allele origin: germline.

NM_032634.4(PIGO):c.2267C>T (p.Ala756Val)

Gene: PIGO (phosphatidylinositol glycan anchor biosynthesis class O; minus strand). Cytogenetic location: 9p13.3.
Variant type: single nucleotide variant.
Coding change: c.2267C>T on transcript NM_032634.4 (MANE Select); coding-DNA position 2267, C replaced by T.
Protein change: p.Ala756Val; replaces alanine 756 with valine.
Molecular consequence: missense variant. On other transcripts: intron variant (2).
Genome position (GRCh38, 1-based): chr9:35,091,620, G>A on the plus strand (C>T on the coding strand, the complement: PIGO is on the minus strand). VCF-style: chr9-35091620-G-A. GRCh37 (hg19) VCF-style: chr9-35091617-G-A.
Other names: c.1345-329C>T (NM_152850.4, NM_001201484.2); short protein forms A756V.
Identifiers: ClinVar variation 579470 (VCV000579470.12), dbSNP rs757452987, ClinGen allele CA5040457.